The following is an entry in ClinVar:

ClinVar aggregate classification (germline): Pathogenic/Likely pathogenic. Review status: criteria provided, multiple submitters, no conflicts (2 of 4 stars). 22 submissions from 22 submitters: Pathogenic (15); Likely pathogenic (3). 4 of the submissions do not count toward it. Last evaluated 2026-03-13.

Conditions:
Hereditary cancer-predisposing syndrome. Also called: Neoplastic Syndromes, Hereditary; Tumor predisposition; Hereditary Cancer Syndrome; Hereditary neoplastic syndrome. Identifiers: Orphanet 140162, MedGen C0027672, MeSH D009386, MONDO:0015356.
Ataxia-telangiectasia syndrome (AT). Also called: Ataxia-telangiectasia, complementation group E; Cerebello-oculocutaneous telangiectasia; Immunodeficiency with ataxia telangiectasia; ATAXIA-TELANGIECTASIA, COMPLEMENTATION GROUP A; ATAXIA-TELANGIECTASIA, FRESNO VARIANT; LOUIS-BAR SYNDROME. Identifiers: Orphanet 100, MedGen C0004135, MONDO:0008840, OMIM 208900.
Familial cancer of breast. Also called: BREAST CANCER, FAMILIAL; hereditary breast carcinoma; Hereditary breast cancer. Identifiers: Orphanet 227535, MedGen C0346153, MONDO:0016419, OMIM 114480. Disease mechanism: loss of function.
Hereditary breast ovarian cancer syndrome. Also called: Hereditary breast and ovarian cancer syndrome; Hereditary breast and ovarian cancer; Hereditary breast and ovarian cancer syndrome (HBOC); Breast and ovarian cancer; Hereditary breast and/or ovarian cancer syndrome; BRCA1- and BRCA2-Associated Hereditary Breast and Ovarian Cancer. Identifiers: Orphanet 145, MedGen C0677776, MeSH D061325, MONDO:0003582. Disease mechanism: loss of function.

Allele frequency attached by ClinVar (database versions not stated): gnomAD exomes below 0.00001; ExAC 0.00001.
gnomAD v4.1: 1 of 1,607,616 alleles (0.000062%); highest among the groups gnomAD compares: Non-Finnish European, 0.000085%; no homozygotes.

Submissions 1 to 7 of 23:

German Consortium for Hereditary Breast and Ovarian Cancer, University Hospital Cologne
Classification: Pathogenic for Hereditary breast ovarian cancer syndrome. Last evaluated: 2026-03-13. Review status: criteria provided, single submitter. Criteria: ClinGen ATM V1.5.0. Collection method: curation. Allele origin: germline.
Comment: This classification follows the ClinGen ACMG ATM v1.5.0 classification scheme; We chose these criteria: PS1 (medium pathogenic): c.331+2T>G (PMID: 17910737) und c.331+1G>A (PMID:31921190), PM2 (supporting pathogenic): gnomAD v4.1.0 AF = 6.220e-7, PM3 (very strong pathogenic): multiple individuals comp het / hom with classic AT (PMID: 19535770, 22006793, 22213089, 23726790, 29288088, 31776720), PP1 (supporting pathogenic): Verhagen et al., 2009: homozygous sibling with AT, PP3 (supporting pathogenic): SpliceAi Dl = 0.98

Institute of Human Genetics, University of Leipzig Medical Center
Classification: Pathogenic for Familial cancer of breast. Last evaluated: 2026-03-02. Review status: criteria provided, single submitter. Criteria: ACMG Guidelines, 2015. Collection method: clinical testing. Allele origin: maternal. Inheritance: Autosomal dominant inheritance. Affected: yes.
Comment: Criteria applied: PM3_VSTR,PVS1_MOD,PS1_MOD,PS3_SUP,PM2_SUP,PP1

Labcorp Genetics (formerly Invitae), Labcorp
Classification: Pathogenic for Ataxia-telangiectasia syndrome. Last evaluated: 2025-11-06. Review status: criteria provided, single submitter. Criteria: Invitae Variant Classification Sherloc (09022015). Collection method: clinical testing. Allele origin: germline.
Comment: This sequence change falls in intron 4 of the ATM gene. It does not directly change the encoded amino acid sequence of the ATM protein. RNA analysis indicates that this variant induces altered splicing and may result in an absent or altered protein product. This variant is present in population databases (rs752135143, gnomAD 0.0009%). This variant has been observed in individuals with ataxia-telangiectasia (PMID: 19535770, 22006793, 22213089, 23726790). It has also been observed to segregate with disease in related individuals. ClinVar contains an entry for this variant (Variation ID: 230851). Algorithms developed to predict the effect of variants on gene product structure and function are not available or were not evaluated for this variant. Experimental studies have shown that this variant affects ATM function (PMID: 19535770). Variants that disrupt the consensus splice site are a relatively common cause of aberrant splicing (PMID: 17576681, 9536098). Studies have shown that this variant results in skipping of exon 4, and produces a non-functional protein and/or introduces a premature termination codon (internal data). For these reasons, this variant has been classified as Pathogenic.

Natera, Inc.
Classification: Pathogenic for Ataxia-telangiectasia. Last evaluated: 2025-09-23. Review status: criteria provided, single submitter. Criteria: Natera Variant Classification Schema (03/2026). Collection method: clinical testing. Allele origin: germline.
Comment: The c.331+5G>A variant in ATM is an intronic variant located outside the canonical splice sites. This variant is rare in the general population with a frequency below the threshold expected for the associated phenotype(s). This variant has been observed in one or more individuals affected with the associated recessive disease, as either homozygous or compound heterozygous with a second variant (PMID: 23726790, 22006793). Additionally, this variant has been observed to segregate in affected family members (PMID: 23726790). Computational prediction algorithms indicate this variant is likely to affect gene or protein function. Given the available evidence, this variant is classified as Pathogenic.

Molecular Diagnostics Laboratory, Catalan Institute of Oncology
Classification: Pathogenic for Hereditary cancer-predisposing syndrome. Last evaluated: 2025-08-26. Review status: criteria provided, single submitter. Criteria: ClinGen ACMG Specifications ATM V1.1.0. Collection method: clinical testing. Allele origin: germline.
Comment: PS3_Supporting, PM2_Supporting, PM3_VeryStrong, PP3_Supporting ATM c.331+5G>A is an intronic variant located close to a canonical splice site. This variant is found in 1/265550 alleles at a frequency of 0,0004% in the gnomAD v2.1.1 database, non-cancer dataset (PM2_Supporting). The SpliceAI algorithm predicts that the variant impairs the splicing acceptor of intron 3 and the donor site of intron 4 (PP3). An RNA study showed that this variant causes the skipping of exon 6, which results in r.186_331del predicted to undergo NMD, in patient-derived T-cells (PMID: 22006793). Furthermore, functional studies have shown that this variant results in reduced ATM protein levels and kinase activity (PMID: 19535770, 22213089) (PS3_Supporting). The variant has been identified in homozygous state in two siblings, one of them with a consistent Ataxia-Telangiectasia phenotype. It has also been reported in several other individuals with A-T in compound heterozygosity, two confirmed in trans with another pathogenic variant (PMID: 19535770, 22213089, 28126470, 23726790) (PM3_VeryStrong). This variant has been reported in the ClinVar database 11x pathogenic, 5x likely pathogenic) and in the LOVD (6x pathogenic, 1x likely pathogenic, 1x uncertain significance). Based on the currently available evidence, c.331+5G>A is classified as a pathogenic variant according to ACMG Classification Rules Specified for ATM v1.1.

Quest Diagnostics Nichols Institute San Juan Capistrano
Classification: Pathogenic. Last evaluated: 2025-05-09. Review status: criteria provided, single submitter. Criteria: Quest Diagnostics criteria. Collection method: clinical testing. Allele origin: unknown.
Comment: The ATM c.331+5G>A variant has been reported in the published literature in individuals affected with ataxia-telangiectasia, who were compound heterozygous for the variant and a pathogenic or likely pathogenic variant (PMIDs: 23726790 (2013), 22213089 (2012)). Functional studies have shown that this variant has a deleterious effect on protein function (PMIDs: 22213089 (2012), 19535770 (2009)), and have resulted in the skipping of the exon (PMID: 22006793 (2012)). The frequency of this variant in the general population (Genome Aggregation Database) is uninformative in the assessment of its pathogenicity. Analysis of this variant using software algorithms for the prediction of the effect of nucleotide changes on splicing yielded predictions that this variant may affect proper ATM mRNA splicing. Based on the available information, this variant is classified as pathogenic.

Ambry Genetics
Classification: Pathogenic for Hereditary cancer-predisposing syndrome. Last evaluated: 2025-05-05. Review status: criteria provided, single submitter. Criteria: Ambry Variant Classification Scheme 2023. Collection method: clinical testing. Allele origin: germline.
Comment: The c.331+5G>A intronic pathogenic mutation results from a G to A substitution 5 nucleotides after coding exon 3 in the ATM gene. In one study, this alteration was detected as homozygous in two related individuals diagnosed with ataxia-telangiectasia (A-T) and was correlated with decreased ATM protein levels and kinase activity (Verhagen MM et al, Neurology 2009 Aug; 73(6):430-7). This alteration has also been identified in several individuals with A-T as a compound heterozygous state (Morio T et al. Int. J. Hematol., 2009 Nov;90:455-462; Nakamura K et al. Hum. Mutat., 2012 Jan;33:198-208; Verhagen MM et al. Hum. Mutat., 2012 Mar;33:561-71; Chen Z et al. Neurobiol Aging, 2013 Oct;34:2442.e11-7). This nucleotide position is highly conserved in available vertebrate species. In silico splice site analysis predicts that this alteration will weaken the native splice donor site. RNA studies have demonstrated that this alteration results in abnormal splicing in the set of samples tested (Ambry internal data). This variant is considered to be rare based on population cohorts in the Genome Aggregation Database (gnomAD). Based on the supporting evidence, this alteration is interpreted as a disease-causing mutation.

NM_000051.4(ATM):c.331+5G>A

Gene: ATM (ATM serine/threonine kinase; plus strand). Cytogenetic location: 11q22.3.
Variant type: single nucleotide variant.
Coding change: c.331+5G>A on transcript NM_000051.4 (MANE Select); 5 bases into the intron after coding-DNA position 331, G replaced by A.
Molecular consequence: intron variant. On other transcripts: synonymous variant (2).
Genome position (GRCh38, 1-based): chr11:108,229,328, G>A. VCF-style: chr11-108229328-G-A. GRCh37 (hg19) VCF-style: chr11-108100055-G-A.
Other names: c.336G>A, p.Lys112= (NM_001351835.2, NM_001351836.2); c.331+5G>A (NM_001351834.2).
Identifiers: ClinVar variation 230851 (VCV000230851.74), dbSNP rs752135143, ClinGen allele CA6264551.